The following is an entry in ClinVar:

ClinVar aggregate classification (germline): Conflicting classifications of pathogenicity. Review status: criteria provided, conflicting classifications (1 of 4 stars). 5 submissions from 5 submitters: Likely pathogenic (1); Uncertain significance (3). 1 of the submissions does not count toward it. Last evaluated 2025-03-27.

Conditions:
Cardiovascular phenotype. Identifiers: MedGen CN230736.
Cardiomyopathy (CMYO). Also called: Cardiomyopathies. Identifiers: Orphanet 167848, MedGen C0878544, MONDO:0004994, HP:0001638. Inheritance: Various modes of inheritance.
Hypertrophic cardiomyopathy. Also called: HYPERTROPHIC MYOCARDIOPATHY. Identifiers: Orphanet 217569, MedGen C0007194, MeSH D002312, MONDO:0005045, HP:0001639.

Allele frequency attached by ClinVar (database versions not stated): gnomAD exomes below 0.00001.
gnomAD v4.1: 1 of 1,612,406 alleles (0.000062%); highest among the groups gnomAD compares: South Asian, 0.0011%; no homozygotes.

Submissions (5):

Molecular Diagnostic Laboratory for Inherited Cardiovascular Disease, Montreal Heart Institute
Classification: Likely pathogenic for Cardiovascular phenotype. Last evaluated: 2025-03-27. Review status: criteria provided, single submitter. Criteria: ACMG Guidelines, 2015. Collection method: clinical testing. Allele origin: germline. Affected: yes.
Comment: PM1, PM2, PS4_supp, PP3

Labcorp Genetics (formerly Invitae), Labcorp
Classification: Uncertain significance for Hypertrophic cardiomyopathy. Last evaluated: 2023-04-09. Review status: criteria provided, single submitter. Criteria: Invitae Variant Classification Sherloc (09022015). Collection method: clinical testing. Allele origin: germline.
Comment: This missense change has been observed in individual(s) with clinical features of hypertrophic cardiomyopathy (PMID: 27532257). This sequence change replaces threonine, which is neutral and polar, with proline, which is neutral and non-polar, at codon 378 of the MYH7 protein (p.Thr378Pro). This variant is not present in population databases (gnomAD no frequency). ClinVar contains an entry for this variant (Variation ID: 42824). Advanced modeling of protein sequence and biophysical properties (such as structural, functional, and spatial information, amino acid conservation, physicochemical variation, residue mobility, and thermodynamic stability) performed at Invitae indicates that this missense variant is expected to disrupt MYH7 protein function. In summary, the available evidence is currently insufficient to determine the role of this variant in disease. Therefore, it has been classified as a Variant of Uncertain Significance.

CHEO Genetics Diagnostic Laboratory, Children's Hospital of Eastern Ontario
Classification: Uncertain significance for Cardiomyopathy. Last evaluated: 2020-09-01. Review status: criteria provided, single submitter. Criteria: ACMG Guidelines, 2015. Collection method: clinical testing. Allele origin: germline.

GeneDx
Classification: Uncertain significance. Last evaluated: 2019-11-19. Review status: criteria provided, single submitter. Criteria: GeneDx Variant Classification Process June 2021. Collection method: clinical testing. Allele origin: germline. Affected: yes.
Comment: Not observed in large population cohorts (Lek et al., 2016); In silico analysis, which includes protein predictors and evolutionary conservation, supports a deleterious effect; Reported previously in a patient with hypertrophic cardiomyopathy (Walsh et al., 2017); This variant is associated with the following publications: (PMID: 27532257)

Laboratory for Molecular Medicine, Mass General Brigham Personalized Medicine
Classification: Uncertain significance. Last evaluated: 2009-12-23. Review status: no assertion criteria provided. Collection method: clinical testing. Allele origin: germline. Observed: 1 variant allele. Not counted in ClinVar's aggregate classification.

Literature cited by the submitters: PubMed 27532257 (cited by Labcorp Genetics (formerly Invitae), Labcorp).

NM_000257.4(MYH7):c.1132A>C (p.Thr378Pro)

Gene: MYH7 (myosin heavy chain 7; minus strand). Cytogenetic location: 14q11.2.
Variant type: single nucleotide variant.
Coding change: c.1132A>C on transcript NM_000257.4 (MANE Select); coding-DNA position 1132, A replaced by C.
Protein change: p.Thr378Pro; replaces threonine 378 with proline.
Molecular consequence: missense variant.
Genome position (GRCh38, 1-based): chr14:23,429,781, T>G on the plus strand (A>C on the coding strand, the complement: MYH7 is on the minus strand). VCF-style: chr14-23429781-T-G. GRCh37 (hg19) VCF-style: chr14-23898990-T-G.
Other names: c.1132A>C (NM_000257.3); short protein forms T378P.
Identifiers: ClinVar variation 42824 (VCV000042824.13), dbSNP rs397516090, ClinGen allele CA010250.